The following is an entry in ClinVar:

ClinVar aggregate classification (germline): Uncertain significance. Review status: criteria provided, multiple submitters, no conflicts (2 of 4 stars). 3 submissions from 3 submitters: Uncertain significance (3). Last evaluated 2026-04-15.

Conditions:
Hereditary cancer-predisposing syndrome. Also called: Tumor predisposition; Neoplastic Syndromes, Hereditary; Hereditary Cancer Syndrome; Hereditary neoplastic syndrome. Identifiers: Orphanet 140162, MedGen C0027672, MeSH D009386, MONDO:0015356.
Inherited MMR deficiency (Lynch syndrome).
Hereditary nonpolyposis colorectal neoplasms. Identifiers: MedGen C0009405, MeSH D003123.

gnomAD v4.1: 1 of 1,614,176 alleles (0.000062%); highest among the groups gnomAD compares: Non-Finnish European, 0.000085%; no homozygotes.

Submissions (3):

Ambry Genetics
Classification: Uncertain significance for Hereditary cancer-predisposing syndrome. Last evaluated: 2026-04-15. Review status: criteria provided, single submitter. Criteria: Ambry Variant Classification Scheme 2023. Collection method: clinical testing. Allele origin: germline.
Comment: The p.L396F variant (also known as c.1186C>T), located in coding exon 4 of the MSH6 gene, results from a C to T substitution at nucleotide position 1186. The leucine at codon 396 is replaced by phenylalanine, an amino acid with highly similar properties. This amino acid position is well conserved in available vertebrate species. In addition, the in silico prediction for this alteration is inconclusive. Based on the available evidence, the clinical significance of this variant remains unclear.

Cambridge Genomics Laboratory, East Genomic Laboratory Hub, NHS Genomic Medicine Service
Classification: Uncertain significance for Inherited MMR deficiency (Lynch syndrome). Last evaluated: 2024-04-25. Review status: criteria provided, single submitter. Criteria: ACGS Best Practice Guidelines for Variant Classification in Rare Disease 2020. Collection method: clinical testing. Allele origin: germline. Affected: yes.
Comment: PM2_Supporting

Labcorp Genetics (formerly Invitae), Labcorp
Classification: Uncertain significance for Hereditary nonpolyposis colorectal neoplasms. Last evaluated: 2023-12-11. Review status: criteria provided, single submitter. Criteria: Invitae Variant Classification Sherloc (09022015). Collection method: clinical testing. Allele origin: germline.
Comment: This sequence change replaces leucine, which is neutral and non-polar, with phenylalanine, which is neutral and non-polar, at codon 396 of the MSH6 protein (p.Leu396Phe). This variant is not present in population databases (gnomAD no frequency). This variant has not been reported in the literature in individuals affected with MSH6-related conditions. ClinVar contains an entry for this variant (Variation ID: 1486313). Advanced modeling of protein sequence and biophysical properties (such as structural, functional, and spatial information, amino acid conservation, physicochemical variation, residue mobility, and thermodynamic stability) has been performed at Invitae for this missense variant, however the output from this modeling did not meet the statistical confidence thresholds required to predict the impact of this variant on MSH6 protein function. In summary, the available evidence is currently insufficient to determine the role of this variant in disease. Therefore, it has been classified as a Variant of Uncertain Significance.

NM_000179.3(MSH6):c.1186C>T (p.Leu396Phe)

Gene: MSH6 (mutS homolog 6; plus strand). Cytogenetic location: 2p16.3.
Variant type: single nucleotide variant.
Coding change: c.1186C>T on transcript NM_000179.3 (MANE Select); coding-DNA position 1186, C replaced by T.
Protein change: p.Leu396Phe; replaces leucine 396 with phenylalanine.
Molecular consequence: missense variant.
Genome position (GRCh38, 1-based): chr2:47,799,169, C>T. VCF-style: chr2-47799169-C-T. GRCh37 (hg19) VCF-style: chr2-48026308-C-T.
Other names: c.796C>T, p.Leu266Phe (NM_001281492.2); c.280C>T, p.Leu94Phe (NM_001281493.2, NM_001281494.2); c.1186C>T (NM_000179.2); short protein forms L266F, L396F, L94F.
Identifiers: ClinVar variation 1486313 (VCV001486313.8), dbSNP rs2020908, ClinGen allele CA346742399.
Genomic context (GRCh38, chr2:47,799,169, plus strand): 5'-GAAAAGAGAAGAGATGAGCACAGGAGGAGGCCTGATCACCCCGATTTTGATGCATCTACA[C>T]TCTATGTGCCTGAGGATTTCCTCAATTCTTGTACTCCTGGGATGAGGAAGTGGTGGCAGA-3'
Protein context (NP_000170.1, residues 386-406): PDHPDFDAST[Leu396Phe]YVPEDFLNSC